The following is an entry in ClinVar:

NM_012210.4(TRIM32):c.946G>A (p.Ala316Thr)

Genes: ASTN2 (astrotactin 2; minus strand), TRIM32 (tripartite motif containing 32; plus strand). Cytogenetic location: 9q33.1.
Variant type: single nucleotide variant.
Coding change: c.946G>A on transcript NM_012210.4 (MANE Select); coding-DNA position 946, G replaced by A.
Protein change: p.Ala316Thr; replaces alanine 316 with threonine.
Molecular consequence: missense variant. On other transcripts: intron variant (3).
Genome position (GRCh38, 1-based): chr9:116,698,688, G>A. VCF-style: chr9-116698688-G-A. GRCh37 (hg19) VCF-style: chr9-119460967-G-A.
Other names: c.946G>A, p.Ala316Thr (NM_001099679.2, NM_001379048.1, NM_001379049.1 and 1 more transcripts); c.2653+27083C>T (NM_014010.5); c.2794+27083C>T (NM_001365069.1); c.2806+27083C>T (NM_001365068.1); short protein forms A316T.
Identifiers: ClinVar variation 3249504 (VCV003249504.2).

ClinVar aggregate classification (germline): Uncertain significance. Review status: criteria provided, single submitter (1 of 4 stars). 2 submissions from 2 submitters: Uncertain significance (1). 1 of the submissions does not count toward it. Last evaluated 2026-04-28.

Conditions:
TRIM32-related disorder. Also called: TRIM32-related condition.
Retinal dystrophy. Also called: Inherited retinal dystrophy. Identifiers: Orphanet 71862, MedGen C0854723, MeSH D058499, MONDO:0019118, HP:0000556.

Submissions (2):

PreventionGenetics, part of Exact Sciences
Classification: Uncertain significance for TRIM32-related condition. Last evaluated: 2026-04-28. Review status: criteria provided, single submitter. Criteria: ACMG Guidelines, 2015. Collection method: clinical testing. Allele origin: germline.
Comment: The TRIM32 c.946G>A variant is predicted to result in the amino acid substitution p.Ala316Thr. To our knowledge, this variant has not been reported in the literature or in a large population database (gnomAD), indicating this variant is rare. At this time, the clinical significance of this variant is uncertain due to the absence of conclusive functional and genetic evidence.

Institute of Human Genetics, Univ. Regensburg, Univ. Regensburg
Classification: Uncertain significance for Retinal dystrophy. Last evaluated: 2023-01-01. Review status: no assertion criteria provided. Criteria: ACMG Guidelines, 2015. Collection method: clinical testing. Allele origin: germline. Affected: yes. Not counted in ClinVar's aggregate classification.